The following is an entry in ClinVar:

NM_152564.5(VPS13B):c.1528C>G (p.Arg510Gly)

Gene: VPS13B (vacuolar protein sorting 13 homolog B; plus strand). Cytogenetic location: 8q22.2.
Variant type: single nucleotide variant.
Coding change: c.1528C>G on transcript NM_152564.5 (MANE Select); coding-DNA position 1528, C replaced by G.
Protein change: p.Arg510Gly; replaces arginine 510 with glycine.
Molecular consequence: missense variant.
Genome position (GRCh38, 1-based): chr8:99,135,698, C>G. VCF-style: chr8-99135698-C-G. GRCh37 (hg19) VCF-style: chr8-100147926-C-G.
Other names: c.1528C>G, p.Arg510Gly (NM_015243.3, NM_017890.5); short protein forms R510G.
Identifiers: ClinVar variation 1431907 (VCV001431907.9), dbSNP rs139141291, ClinGen allele CA371863324.
Genomic context (GRCh38, chr8:99,135,698, plus strand): 5'-GGTTTCACATACCTTACAAATTCATTGTTTGATTACCGAAGCCCAGAAAATAATGGTACT[C>G]GCGCAGAATTTATCTTGGATTCAACTCATCATAAGGTTAGAGAATATATATTTGAACCAA-3'
Protein context (NP_689777.3, residues 500-520): DYRSPENNGT[Arg510Gly]AEFILDSTHH

ClinVar aggregate classification (germline): Uncertain significance. Review status: criteria provided, multiple submitters, no conflicts (2 of 4 stars). 2 submissions from 2 submitters: Uncertain significance (2). Last evaluated 2022-03-19.

Conditions:
Cohen syndrome (COH1). Also called: PEPPER SYNDROME; Cutis verticis gyrata, retinitis pigmentosa, and sensorineural deafness. Identifiers: Orphanet 193, MedGen C0265223, MONDO:0008999, OMIM 216550.

gnomAD v4.1: 2 of 1,613,322 alleles (0.00012%); highest among the groups gnomAD compares: Middle Eastern, 0.017%; no homozygotes.

Submissions (2):

Labcorp Genetics (formerly Invitae), Labcorp
Classification: Uncertain significance for Cohen syndrome. Last evaluated: 2022-03-19. Review status: criteria provided, single submitter. Criteria: Invitae Variant Classification Sherloc (09022015). Collection method: clinical testing. Allele origin: germline.
Comment: This variant has not been reported in the literature in individuals affected with VPS13B-related conditions. This variant is not present in population databases (gnomAD no frequency). This sequence change replaces arginine, which is basic and polar, with glycine, which is neutral and non-polar, at codon 510 of the VPS13B protein (p.Arg510Gly). In summary, the available evidence is currently insufficient to determine the role of this variant in disease. Therefore, it has been classified as a Variant of Uncertain Significance. Algorithms developed to predict the effect of missense changes on protein structure and function are either unavailable or do not agree on the potential impact of this missense change (SIFT: "Not Available"; PolyPhen-2: "Benign"; Align-GVGD: "Not Available").

Breakthrough Genomics
Classification: Uncertain significance. Review status: criteria provided, single submitter. Criteria: ACMG Guidelines, 2015. Collection method: not provided. Allele origin: germline. Inheritance: Autosomal recessive inheritance. Affected: yes.